The following is an entry in ClinVar:

NM_194277.3(FRMD7):c.725T>A (p.Leu242His)

Gene: FRMD7 (FERM domain containing 7; minus strand). Cytogenetic location: Xq26.2.
Variant type: single nucleotide variant.
Coding change: c.725T>A on transcript NM_194277.3 (MANE Select); coding-DNA position 725, T replaced by A.
Protein change: p.Leu242His; replaces leucine 242 with histidine.
Molecular consequence: missense variant.
Genome position (GRCh38, 1-based): chrX:132,084,506, A>T on the plus strand (T>A on the coding strand, the complement: FRMD7 is on the minus strand). VCF-style: chrX-132084506-A-T. GRCh37 (hg19) VCF-style: chrX-131218534-A-T.
Other names: c.680T>A, p.Leu227His (NM_001306193.2); short protein forms L227H, L242H.
Identifiers: ClinVar variation 1475735 (VCV001475735.8), dbSNP rs2124221222, ClinGen allele CA414680734.

ClinVar aggregate classification (germline): Uncertain significance (1 of 4 stars; one submission).

Submission:

Labcorp Genetics (formerly Invitae), Labcorp
Classification: Uncertain significance. Last evaluated: 2021-05-14. Review status: criteria provided, single submitter. Criteria: Invitae Variant Classification Sherloc (09022015). Collection method: clinical testing. Allele origin: germline.
Comment: Algorithms developed to predict the effect of missense changes on protein structure and function (SIFT, PolyPhen-2, Align-GVGD) all suggest that this variant is likely to be disruptive, but these predictions have not been confirmed by published functional studies and their clinical significance is uncertain. In summary, the available evidence is currently insufficient to determine the role of this variant in disease. Therefore, it has been classified as a Variant of Uncertain Significance. This variant has not been reported in the literature in individuals with FRMD7-related conditions. This variant is not present in population databases (ExAC no frequency). This sequence change replaces leucine with histidine at codon 242 of the FRMD7 protein (p.Leu242His). The leucine residue is highly conserved and there is a moderate physicochemical difference between leucine and histidine.